The following is an entry in ClinVar:

ClinVar aggregate classification (germline): Uncertain significance. Review status: criteria provided, multiple submitters, no conflicts (2 of 4 stars). 3 submissions from 3 submitters: Uncertain significance (3). Last evaluated 2024-04-24.

Conditions:
Hereditary cancer-predisposing syndrome. Also called: Neoplastic Syndromes, Hereditary; Tumor predisposition; Hereditary Cancer Syndrome; Hereditary neoplastic syndrome. Identifiers: Orphanet 140162, MedGen C0027672, MeSH D009386, MONDO:0015356.
Ataxia-telangiectasia-like disorder (ATLD). Identifiers: MedGen C1858391, MONDO:0011457.
Ataxia-telangiectasia-like disorder 1 (ATLD1). Identifiers: Orphanet 251347, MedGen C4012790, MONDO:0024557, OMIM 604391.

Submissions (3):

Fulgent Genetics
Classification: Uncertain significance for Ataxia-telangiectasia-like disorder 1. Last evaluated: 2024-04-24. Review status: criteria provided, single submitter. Criteria: ACMG Guidelines, 2015. Collection method: clinical testing. Allele origin: germline.

Labcorp Genetics (formerly Invitae), Labcorp
Classification: Uncertain significance for Ataxia-telangiectasia-like disorder. Last evaluated: 2024-04-04. Review status: criteria provided, single submitter. Criteria: Invitae Variant Classification Sherloc (09022015). Collection method: clinical testing. Allele origin: germline.
Comment: This sequence change replaces leucine, which is neutral and non-polar, with serine, which is neutral and polar, at codon 234 of the MRE11 protein (p.Leu234Ser). This variant is not present in population databases (gnomAD no frequency). This variant has not been reported in the literature in individuals affected with MRE11-related conditions. ClinVar contains an entry for this variant (Variation ID: 483651). An algorithm developed to predict the effect of missense changes on protein structure and function (PolyPhen-2) suggests that this variant is likely to be disruptive. In summary, the available evidence is currently insufficient to determine the role of this variant in disease. Therefore, it has been classified as a Variant of Uncertain Significance.

Ambry Genetics
Classification: Uncertain significance for Hereditary cancer-predisposing syndrome. Last evaluated: 2019-04-29. Review status: criteria provided, single submitter. Criteria: Ambry Variant Classification Scheme 2023. Collection method: clinical testing. Allele origin: germline.
Comment: The p.L234S variant (also known as c.701T>C), located in coding exon 7 of the MRE11A gene, results from a T to C substitution at nucleotide position 701. The leucine at codon 234 is replaced by serine, an amino acid with dissimilar properties. This amino acid position is highly conserved in available vertebrate species. In addition, this alteration is predicted to be deleterious by in silico analysis. Since supporting evidence is limited at this time, the clinical significance of this alteration remains unclear.

NM_005591.4(MRE11):c.701T>C (p.Leu234Ser)

Gene: MRE11 (MRE11 double strand break repair nuclease; minus strand). Cytogenetic location: 11q21.
Variant type: single nucleotide variant.
Coding change: c.701T>C on transcript NM_005591.4 (MANE Select); coding-DNA position 701, T replaced by C.
Protein change: p.Leu234Ser; replaces leucine 234 with serine.
Molecular consequence: missense variant.
Genome position (GRCh38, 1-based): chr11:94,471,718, A>G on the plus strand (T>C on the coding strand, the complement: MRE11 is on the minus strand). VCF-style: chr11-94471718-A-G. GRCh37 (hg19) VCF-style: chr11-94204884-A-G.
Other names: c.701T>C, p.Leu234Ser (NM_001330347.2, NM_005590.4); short protein forms L234S.
Identifiers: ClinVar variation 483651 (VCV000483651.8), dbSNP rs1555013173, ClinGen allele CA382375874.